The following is an entry in ClinVar:

NM_007254.4(PNKP):c.1210C>T (p.Arg404Cys)

Gene: PNKP (polynucleotide kinase 3'-phosphatase; minus strand). Cytogenetic location: 19q13.33.
Variant type: single nucleotide variant.
Coding change: c.1210C>T on transcript NM_007254.4 (MANE Select); coding-DNA position 1210, C replaced by T.
Protein change: p.Arg404Cys; replaces arginine 404 with cysteine.
Molecular consequence: missense variant.
Genome position (GRCh38, 1-based): chr19:49,861,860, G>A on the plus strand (C>T on the coding strand, the complement: PNKP is on the minus strand). VCF-style: chr19-49861860-G-A. GRCh37 (hg19) VCF-style: chr19-50365117-G-A.
Other names: short protein forms R404C.
Identifiers: ClinVar variation 194398 (VCV000194398.14), dbSNP rs768304312, ClinGen allele CA240323.

ClinVar aggregate classification (germline): Uncertain significance. Review status: criteria provided, multiple submitters, no conflicts (2 of 4 stars). 4 submissions from 4 submitters: Uncertain significance (4). Last evaluated 2026-04-01.

Conditions:
Inborn genetic diseases. Identifiers: MedGen C0950123, MeSH D030342.
Developmental and epileptic encephalopathy, 12 (DEE12). Identifiers: MedGen C3150988, MONDO:0013389, OMIM 613722.

Allele frequency attached by ClinVar (database versions not stated): gnomAD 0.00001; ExAC 0.00002; gnomAD exomes 0.00002; TOPMed 0.00002.

Submissions (4):

CeGaT Center for Human Genetics Tuebingen
Classification: Uncertain significance. Last evaluated: 2026-04-01. Review status: criteria provided, single submitter. Criteria: CeGaT Center For Human Genetics Tuebingen Variant Classification Criteria Version 2. Collection method: clinical testing. Allele origin: germline. Affected: yes. Observed: 1 variant allele.
Comment: PNKP: PM2, PM3:Supporting, BP4

Labcorp Genetics (formerly Invitae), Labcorp
Classification: Uncertain significance for Developmental and epileptic encephalopathy, 12. Last evaluated: 2022-08-09. Review status: criteria provided, single submitter. Criteria: Invitae Variant Classification Sherloc (09022015). Collection method: clinical testing. Allele origin: germline.
Comment: This sequence change replaces arginine, which is basic and polar, with cysteine, which is neutral and slightly polar, at codon 404 of the PNKP protein (p.Arg404Cys). The frequency data for this variant in the population databases is considered unreliable, as metrics indicate poor data quality at this position in the gnomAD database. This variant has not been reported in the literature in individuals affected with PNKP-related conditions. ClinVar contains an entry for this variant (Variation ID: 194398). Algorithms developed to predict the effect of missense changes on protein structure and function are either unavailable or do not agree on the potential impact of this missense change (SIFT: "Deleterious"; PolyPhen-2: "Probably Damaging"; Align-GVGD: "Class C0"). In summary, the available evidence is currently insufficient to determine the role of this variant in disease. Therefore, it has been classified as a Variant of Uncertain Significance.

Ambry Genetics
Classification: Uncertain significance for Inborn genetic diseases. Last evaluated: 2021-06-11. Review status: criteria provided, single submitter. Criteria: Ambry Variant Classification Scheme 2023. Collection method: clinical testing. Allele origin: germline.

Eurofins Ntd Llc (ga)
Classification: Uncertain significance. Last evaluated: 2014-07-21. Review status: criteria provided, single submitter. Criteria: EGL Classification Definitions 2015. Collection method: clinical testing. Allele origin: germline. Observed: 1 variant allele, 1 heterozygote.